The following is an entry in ClinVar:

ClinVar aggregate classification (germline): Likely benign. Review status: criteria provided, multiple submitters, no conflicts (2 of 4 stars). 3 submissions from 3 submitters: Likely benign (3). Last evaluated 2026-02-02.

Allele frequency attached by ClinVar (database versions not stated): gnomAD exomes 0.00001 and below 0.00001; TOPMed 0.00003; gnomAD 0.00001 and 0.00002.
gnomAD v4.1: 26 of 1,613,786 alleles (0.0016%); highest among the groups gnomAD compares: Non-Finnish European, 0.002%; no homozygotes.

Submissions (3):

Labcorp Genetics (formerly Invitae), Labcorp
Classification: Likely benign. Last evaluated: 2026-02-02. Review status: criteria provided, single submitter. Criteria: Invitae Variant Classification Sherloc (09022015). Collection method: clinical testing. Allele origin: germline.

PreventionGenetics, part of Exact Sciences
Classification: Likely benign. Last evaluated: 2017-11-08. Review status: criteria provided, single submitter. Criteria: ACMG Guidelines, 2015. Collection method: clinical testing. Allele origin: germline.

GeneDx
Classification: Likely benign. Last evaluated: 2016-06-27. Review status: criteria provided, single submitter. Criteria: GeneDx Variant Classification (06012015). Collection method: clinical testing. Allele origin: germline. Affected: yes.
Comment: This variant is considered likely benign or benign based on one or more of the following criteria: it is a conservative change, it occurs at a poorly conserved position in the protein, it is predicted to be benign by multiple in silico algorithms, and/or has population frequency not consistent with disease.

NM_006231.4(POLE):c.2864+8T>C

Gene: POLE (DNA polymerase epsilon, catalytic subunit; minus strand). Cytogenetic location: 12q24.33.
Variant type: single nucleotide variant.
Coding change: c.2864+8T>C on transcript NM_006231.4 (MANE Select); 8 bases into the intron after coding-DNA position 2864, T replaced by C.
Molecular consequence: intron variant.
Genome position (GRCh38, 1-based): chr12:132,661,519, A>G on the plus strand (T>C on the coding strand, the complement: POLE is on the minus strand). VCF-style: chr12-132661519-A-G. GRCh37 (hg19) VCF-style: chr12-133238105-A-G.
Identifiers: ClinVar variation 240447 (VCV000240447.12), dbSNP rs878854856, ClinGen allele CA10583007.
Genomic context (GRCh38, chr12:132,661,519, plus strand): 5'-TTCTGGGCTAAATTTAATCTATCTCAATCCATGTCCTTTCTAAAGCACAAAAGCTATGAG[A>G]GTCCCACCTCTTCTTCAATTTCTTGCCTTCTTCCTTGGAGGCTGGAAGAATCATGGCAAG-3'